The following is an entry in ClinVar:

ClinVar aggregate classification (germline): Pathogenic (1 of 4 stars; one submission).

Conditions:
Gorlin syndrome. Also called: Nevoid Basal Cell Carcinoma Syndrome; Basal cell nevus syndrome. Identifiers: Orphanet 377, MedGen C0004779, MONDO:0007187.

Submission:

Labcorp Genetics (formerly Invitae), Labcorp
Classification: Pathogenic for Gorlin syndrome. Last evaluated: 2019-05-07. Review status: criteria provided, single submitter. Criteria: Invitae Variant Classification Sherloc (09022015). Collection method: clinical testing. Allele origin: germline.
Comment: This sequence change creates a premature translational stop signal (p.Val1184Cysfs*7) in the PTCH1 gene. It is expected to result in an absent or disrupted protein product. For these reasons, this variant has been classified as Pathogenic. Loss-of-function variants in PTCH1 are known to be pathogenic (PMID: 16301862, 16419085). This variant has been observed in a family affected with nevoid basal cell carcinoma syndrome (PMID: 9341860). This variant is also known as 3538delG in the literature. This variant is not present in population databases (ExAC no frequency).

Literature cited by the submitters: PubMed 16301862; PubMed 16419085; PubMed 9341860.

NM_000264.5(PTCH1):c.3550del

Gene: PTCH1 (patched 1; minus strand). Cytogenetic location: 9q22.32.
Variant type: Deletion.
Coding change: c.3550del on transcript NM_000264.5 (MANE Select); coding-DNA position 3550, one base deleted (G; older notation c.3550delG).
Molecular consequence: splice acceptor variant.
Genome position (GRCh38, 1-based): chr9:95,449,323, C deleted on the plus strand (G on the coding strand, the reverse complement: PTCH1 is on the minus strand); the first of 2 consecutive C bases (chr9:95,449,323-95,449,324); deleting either gives the same sequence. VCF-style (leftmost placement, unchanged base first): chr9-95449322-AC-A. GRCh37 (hg19) VCF-style: chr9-98211604-AC-A.
Identifiers: ClinVar variation 944874 (VCV000944874.10), dbSNP rs1838244110, ClinGen allele CA1139661038.